The following is an entry in ClinVar:

NM_032119.4(ADGRV1):c.10725A>G (p.Ile3575Met)

Gene: ADGRV1 (adhesion G protein-coupled receptor V1; plus strand). Cytogenetic location: 5q14.3.
Variant type: single nucleotide variant.
Coding change: c.10725A>G on transcript NM_032119.4 (MANE Select); coding-DNA position 10725, A replaced by G.
Protein change: p.Ile3575Met; replaces isoleucine 3575 with methionine.
Molecular consequence: missense variant. On other transcripts: non-coding transcript variant (1).
Genome position (GRCh38, 1-based): chr5:90,745,221, A>G. VCF-style: chr5-90745221-A-G. GRCh37 (hg19) VCF-style: chr5-90041038-A-G.
Other names: short protein forms I3575M.
Identifiers: ClinVar variation 1036298 (VCV001036298.6), dbSNP rs1754475177, ClinGen allele CA360408506.

ClinVar aggregate classification (germline): Uncertain significance (1 of 4 stars; one submission).

Allele frequency attached by ClinVar (database versions not stated): TOPMed below 0.00001; gnomAD exomes 0.00001.
gnomAD v4.1: 15 of 1,609,808 alleles (0.00093%); highest among the groups gnomAD compares: Non-Finnish European, 0.0011%; no homozygotes.

Submission:

Labcorp Genetics (formerly Invitae), Labcorp
Classification: Uncertain significance. Last evaluated: 2021-08-28. Review status: criteria provided, single submitter. Criteria: Invitae Variant Classification Sherloc (09022015). Collection method: clinical testing. Allele origin: germline.
Comment: This sequence change replaces isoleucine with methionine at codon 3575 of the ADGRV1 protein (p.Ile3575Met). The isoleucine residue is moderately conserved and there is a small physicochemical difference between isoleucine and methionine. This variant is not present in population databases (ExAC no frequency). This variant has not been reported in the literature in individuals affected with ADGRV1-related conditions. Algorithms developed to predict the effect of missense changes on protein structure and function output the following: SIFT: "Deleterious"; PolyPhen-2: "Benign"; Align-GVGD: "Class C0". The methionine amino acid residue is found in multiple mammalian species, which suggests that this missense change does not adversely affect protein function. In summary, the available evidence is currently insufficient to determine the role of this variant in disease. Therefore, it has been classified as a Variant of Uncertain Significance.